The following is an entry in ClinVar:

ClinVar aggregate classification (germline): Uncertain significance (1 of 4 stars; one submission).

Conditions:
Gamma-aminobutyric acid transaminase deficiency (GABATD). Also called: GABA transaminase deficiency; Gamma aminobutyrate transaminase deficiency; 4 alpha aminobutyrate transaminase deficiency; GABA aminotransaminase deficiency. Identifiers: Orphanet 2066, MedGen C0342708, MONDO:0013166, OMIM 613163.

Allele frequency attached by ClinVar (database versions not stated): gnomAD exomes below 0.00001.
gnomAD v4.1: 3 of 1,614,202 alleles (0.00019%); highest among the groups gnomAD compares: South Asian, 0.0033%; no homozygotes.

Submission:

Labcorp Genetics (formerly Invitae), Labcorp
Classification: Uncertain significance for Gamma-aminobutyric acid transaminase deficiency. Last evaluated: 2021-09-24. Review status: criteria provided, single submitter. Criteria: Invitae Variant Classification Sherloc (09022015). Collection method: clinical testing. Allele origin: germline.
Comment: This sequence change replaces phenylalanine with cysteine at codon 474 of the ABAT protein (p.Phe474Cys). The phenylalanine residue is moderately conserved and there is a large physicochemical difference between phenylalanine and cysteine. This variant is not present in population databases (ExAC no frequency). This variant has not been reported in the literature in individuals with ABAT-related conditions. Algorithms developed to predict the effect of missense changes on protein structure and function are either unavailable or do not agree on the potential impact of this missense change (SIFT: "Deleterious"; PolyPhen-2: "Benign"; Align-GVGD: "Class C0"). In summary, the available evidence is currently insufficient to determine the role of this variant in disease. Therefore, it has been classified as a Variant of Uncertain Significance.

NM_020686.6(ABAT):c.1421T>G (p.Phe474Cys)

Gene: ABAT (4-aminobutyrate aminotransferase; plus strand). Cytogenetic location: 16p13.2.
Variant type: single nucleotide variant.
Coding change: c.1421T>G on transcript NM_020686.6 (MANE Select); coding-DNA position 1421, T replaced by G.
Protein change: p.Phe474Cys; replaces phenylalanine 474 with cysteine.
Molecular consequence: missense variant.
Genome position (GRCh38, 1-based): chr16:8,781,348, T>G. VCF-style: chr16-8781348-T-G. GRCh37 (hg19) VCF-style: chr16-8875205-T-G.
Other names: c.1421T>G, p.Phe474Cys (NM_000663.5, NM_001127448.2, NM_001386600.1 and 4 more transcripts); c.1382T>G, p.Phe461Cys (NM_001386605.1); c.1358T>G, p.Phe453Cys (NM_001386606.1, NM_001386607.1); c.1328T>G, p.Phe443Cys (NM_001386608.1); c.1309T>G, p.Ser437Ala (NM_001386609.1); c.1286T>G, p.Phe429Cys (NM_001386610.1, NM_001386611.1); c.1223T>G, p.Phe408Cys (NM_001386612.1, NM_001386613.1); c.1175T>G, p.Phe392Cys (NM_001386614.1); and 2 more; short protein forms F429C, F453C, F506C, S437A, F443C, F474C, F392C, F408C.
Identifiers: ClinVar variation 1346516 (VCV001346516.5), dbSNP rs1280757572, ClinGen allele CA394691539.